The following is an entry in ClinVar:

ClinVar aggregate classification (germline): Uncertain significance (1 of 4 stars; one submission).

Submission:

Mayo Clinic Laboratories, Mayo Clinic
Classification: Uncertain significance. Last evaluated: 2025-10-22. Review status: criteria provided, single submitter. Criteria: ACMG Guidelines, 2015. Collection method: clinical testing. Allele origin: germline. Observed: 1 variant allele.
Comment: BP4_moderate, PM2_supporting

NM_001267550.2(TTN):c.25354C>T (p.His8452Tyr)

Gene: TTN (titin; minus strand). Cytogenetic location: 2q31.2.
Variant type: single nucleotide variant.
Coding change: c.25354C>T on transcript NM_001267550.2 (MANE Select); coding-DNA position 25354, C replaced by T.
Protein change: p.His8452Tyr; replaces histidine 8452 with tyrosine.
Molecular consequence: missense variant. On other transcripts: intron variant (3).
Genome position (GRCh38, 1-based): chr2:178,717,380, G>A on the plus strand (C>T on the coding strand, the complement: TTN is on the minus strand). VCF-style: chr2-178717380-G-A. GRCh37 (hg19) VCF-style: chr2-179582107-G-A.
Other names: p.His7208Tyr; c.24403C>T, p.His8135Tyr (NM_001256850.1); c.21622C>T, p.His7208Tyr (NM_133378.4); c.13282+20702C>T (NM_003319.4); c.13858+20702C>T (NM_133437.4); c.13657+20702C>T (NM_133432.3); short protein forms H7208Y, H8135Y, H8452Y.
Identifiers: ClinVar variation 4540752 (VCV004540752.1).